The following is an entry in ClinVar:

ClinVar aggregate classification (germline): Likely benign. Review status: criteria provided, multiple submitters, no conflicts (2 of 4 stars). 2 submissions from 2 submitters: Likely benign (2). Last evaluated 2026-05-01.

Conditions:
Congenital myasthenic syndrome 8. Also called: MYASTHENIC SYNDROME, CONGENITAL, DUE TO AGRIN DEFICIENCY; Myasthenic syndrome, congenital, 8, with pre- and postsynaptic defects. Identifiers: Orphanet 590, MedGen C3808739, MONDO:0014052, OMIM 615120.

Allele frequency attached by ClinVar (database versions not stated): ExAC below 0.00001; gnomAD 0.00001; gnomAD exomes 0.00002; TOPMed 0.00003.
gnomAD v4.1: 23 of 1,472,482 alleles (0.0016%); highest among the groups gnomAD compares: Middle Eastern, 0.018%; no homozygotes.

Submissions (2):

CeGaT Center for Human Genetics Tuebingen
Classification: Likely benign. Last evaluated: 2026-05-01. Review status: criteria provided, single submitter. Criteria: CeGaT Center For Human Genetics Tuebingen Variant Classification Criteria Version 2. Collection method: clinical testing. Allele origin: germline. Affected: yes. Observed: 1 variant allele.
Comment: AGRN: BP4, BP7

Labcorp Genetics (formerly Invitae), Labcorp
Classification: Likely benign for Congenital myasthenic syndrome 8. Last evaluated: 2025-10-21. Review status: criteria provided, single submitter. Criteria: Invitae Variant Classification Sherloc (09022015). Collection method: clinical testing. Allele origin: germline.

NM_198576.4(AGRN):c.4074G>A (p.Pro1358=)

Gene: AGRN (agrin; plus strand). Cytogenetic location: 1p36.33.
Variant type: single nucleotide variant.
Coding change: c.4074G>A on transcript NM_198576.4 (MANE Select); coding-DNA position 4074, G replaced by A.
Protein change: p.Pro1358=; no amino-acid change (proline 1358 retained).
Molecular consequence: synonymous variant.
Genome position (GRCh38, 1-based): chr1:1,048,334, G>A. VCF-style: chr1-1048334-G-A. GRCh37 (hg19) VCF-style: chr1-983714-G-A.
Other names: c.4074G>A, p.Pro1358= (NM_001305275.2); c.3759G>A, p.Pro1253= (NM_001364727.2).
Identifiers: ClinVar variation 707095 (VCV000707095.10), dbSNP rs779057526, ClinGen allele CA509308.